The following is an entry in ClinVar:

ClinVar aggregate classification (germline): Uncertain significance. Review status: criteria provided, multiple submitters, no conflicts (2 of 4 stars). 3 submissions from 3 submitters: Uncertain significance (3). Last evaluated 2025-12-15.

Conditions:
Cardiovascular phenotype. Identifiers: MedGen CN230736.

Allele frequency attached by ClinVar (database versions not stated): gnomAD 0.00001; TOPMed 0.00002; gnomAD exomes 0.00003.
gnomAD v4.1: 45 of 1,613,632 alleles (0.0028%); highest among the groups gnomAD compares: Non-Finnish European, 0.0035%; no homozygotes.

Submissions (3):

Ambry Genetics
Classification: Uncertain significance for Cardiovascular phenotype. Last evaluated: 2025-12-15. Review status: criteria provided, single submitter. Criteria: Ambry Variant Classification Scheme 2023. Collection method: clinical testing. Allele origin: germline.

GeneDx
Classification: Uncertain significance. Last evaluated: 2023-10-12. Review status: criteria provided, single submitter. Criteria: GeneDx Variant Classification Process June 2021. Collection method: clinical testing. Allele origin: germline. Affected: yes.
Comment: In silico analysis supports that this missense variant does not alter protein structure/function; Has not been previously published as pathogenic or benign to our knowledge

Revvity Omics, Revvity
Classification: Uncertain significance. Last evaluated: 2019-04-15. Review status: criteria provided, single submitter. Criteria: ACMG Guidelines, 2015. Collection method: clinical testing. Allele origin: germline.

NM_004444.5(EPHB4):c.2350A>G (p.Ile784Val)

Genes: EPHB4 (EPH receptor B4; minus strand), LOC126860124 (CDK7 strongly-dependent group 2 enhancer GRCh37_chr7:100403701-100404900; plus strand). Cytogenetic location: 7q22.1.
Variant type: single nucleotide variant.
Coding change: c.2350A>G on transcript NM_004444.5 (MANE Select); coding-DNA position 2350, A replaced by G.
Protein change: p.Ile784Val; replaces isoleucine 784 with valine.
Molecular consequence: missense variant.
Genome position (GRCh38, 1-based): chr7:100,806,554, T>C on the plus strand (A>G on the coding strand, the complement: EPHB4 is on the minus strand). VCF-style: chr7-100806554-T-C. GRCh37 (hg19) VCF-style: chr7-100404176-T-C.
Other names: short protein forms I784V.
Identifiers: ClinVar variation 1789997 (VCV001789997.7), dbSNP rs957116019, ClinGen allele CA163276080.